The following is an entry in ClinVar:

ClinVar aggregate classification (germline): Uncertain significance (1 of 4 stars; one submission).

Submission:

Labcorp Genetics (formerly Invitae), Labcorp
Classification: Uncertain significance. Last evaluated: 2023-07-17. Review status: criteria provided, single submitter. Criteria: Invitae Variant Classification Sherloc (09022015). Collection method: clinical testing. Allele origin: germline.
Comment: This sequence change replaces leucine, which is neutral and non-polar, with phenylalanine, which is neutral and non-polar, at codon 165 of the GATAD2B protein (p.Leu165Phe). This variant is not present in population databases (gnomAD no frequency). This variant has not been reported in the literature in individuals affected with GATAD2B-related conditions. ClinVar contains an entry for this variant (Variation ID: 2114014). Advanced modeling of protein sequence and biophysical properties (such as structural, functional, and spatial information, amino acid conservation, physicochemical variation, residue mobility, and thermodynamic stability) performed at Invitae indicates that this missense variant is not expected to disrupt GATAD2B protein function. In summary, the available evidence is currently insufficient to determine the role of this variant in disease. Therefore, it has been classified as a Variant of Uncertain Significance.

NM_020699.4(GATAD2B):c.493C>T (p.Leu165Phe)

Gene: GATAD2B (GATA zinc finger domain containing 2B; minus strand). Cytogenetic location: 1q21.3.
Variant type: single nucleotide variant.
Coding change: c.493C>T on transcript NM_020699.4 (MANE Select); coding-DNA position 493, C replaced by T.
Protein change: p.Leu165Phe; replaces leucine 165 with phenylalanine.
Molecular consequence: missense variant.
Genome position (GRCh38, 1-based): chr1:153,818,895, G>A on the plus strand (C>T on the coding strand, the complement: GATAD2B is on the minus strand). VCF-style: chr1-153818895-G-A. GRCh37 (hg19) VCF-style: chr1-153791371-G-A.
Other names: short protein forms L165F.
Identifiers: ClinVar variation 2114014 (VCV002114014.4), dbSNP rs2525259421, ClinGen allele CA342533188.